The following is an entry in ClinVar:

ClinVar aggregate classification (germline): Uncertain significance (1 of 4 stars; one submission).

Conditions:
Hypertrophic cardiomyopathy. Also called: HYPERTROPHIC MYOCARDIOPATHY. Identifiers: Orphanet 217569, MedGen C0007194, MeSH D002312, MONDO:0005045, HP:0001639.

Submission:

Labcorp Genetics (formerly Invitae), Labcorp
Classification: Uncertain significance for Hypertrophic cardiomyopathy. Last evaluated: 2024-02-29. Review status: criteria provided, single submitter. Criteria: Invitae Variant Classification Sherloc (09022015). Collection method: clinical testing. Allele origin: germline.
Comment: This sequence change replaces tyrosine, which is neutral and polar, with serine, which is neutral and polar, at codon 29 of the TNNI3 protein (p.Tyr29Ser). This variant is not present in population databases (gnomAD no frequency). This variant has not been reported in the literature in individuals affected with TNNI3-related conditions. Algorithms developed to predict the effect of missense changes on protein structure and function output the following: SIFT: "Not Available"; PolyPhen-2: "Benign"; Align-GVGD: "Not Available". The serine amino acid residue is found in multiple mammalian species, which suggests that this missense change does not adversely affect protein function. In summary, the available evidence is currently insufficient to determine the role of this variant in disease. Therefore, it has been classified as a Variant of Uncertain Significance.

NM_000363.5(TNNI3):c.86A>C (p.Tyr29Ser)

Gene: TNNI3 (troponin I3, cardiac type; minus strand). Cytogenetic location: 19q13.42.
Variant type: single nucleotide variant.
Coding change: c.86A>C on transcript NM_000363.5 (MANE Select); coding-DNA position 86, A replaced by C.
Protein change: p.Tyr29Ser; replaces tyrosine 29 with serine.
Molecular consequence: missense variant.
Genome position (GRCh38, 1-based): chr19:55,157,072, T>G on the plus strand (A>C on the coding strand, the complement: TNNI3 is on the minus strand). VCF-style: chr19-55157072-T-G. GRCh37 (hg19) VCF-style: chr19-55668440-T-G.
Other names: short protein forms Y29S.
Identifiers: ClinVar variation 3643715 (VCV003643715.2).